The following is an entry in ClinVar:

ClinVar aggregate classification (germline): Uncertain significance (1 of 4 stars; one submission).

Allele frequency attached by ClinVar (database versions not stated): gnomAD exomes below 0.00001.
gnomAD v4.1: 1 of 1,613,930 alleles (0.000062%); highest among the groups gnomAD compares: Non-Finnish European, 0.000085%; no homozygotes.

Submission:

GeneDx
Classification: Uncertain significance. Last evaluated: 2023-01-18. Review status: criteria provided, single submitter. Criteria: GeneDx Variant Classification Process June 2021. Collection method: clinical testing. Allele origin: germline. Affected: yes.
Comment: Not observed at significant frequency in large population cohorts (gnomAD); In silico analysis supports that this missense variant has a deleterious effect on protein structure/function; Has not been previously published as pathogenic or benign to our knowledge

NM_002473.6(MYH9):c.1565C>T (p.Pro522Leu)

Gene: MYH9 (myosin heavy chain 9; minus strand). Cytogenetic location: 22q12.3.
Variant type: single nucleotide variant.
Coding change: c.1565C>T on transcript NM_002473.6 (MANE Select); coding-DNA position 1565, C replaced by T.
Protein change: p.Pro522Leu; replaces proline 522 with leucine.
Molecular consequence: missense variant.
Genome position (GRCh38, 1-based): chr22:36,312,212, G>A on the plus strand (C>T on the coding strand, the complement: MYH9 is on the minus strand). VCF-style: chr22-36312212-G-A. GRCh37 (hg19) VCF-style: chr22-36708257-G-A.
Other names: short protein forms P522L.
Identifiers: ClinVar variation 2573959 (VCV002573959.1), dbSNP rs2146354582, ClinGen allele CA411400602.
Genomic context (GRCh38, chr22:36,312,212, plus strand): 5'-AAGCTCTTGTCGGTGGCTTTGGGGAACCAGCACTCCTCGTCCAGCAGGGCCAGAATGCCC[G>A]GGGGGCCTGCCTGGAGGAAGCGCAGCATCAGCACAGGTGAGTGCACCCTGGGAGGGGCAC-3'
Protein context (NP_002464.1, residues 512-532): IDLIEKPAGP[Pro522Leu]GILALLDEEC